The following is an entry in ClinVar:

NM_001035.3(RYR2):c.4643C>G (p.Thr1548Arg)

Gene: RYR2 (ryanodine receptor 2; plus strand). Cytogenetic location: 1q43.
Variant type: single nucleotide variant.
Coding change: c.4643C>G on transcript NM_001035.3 (MANE Select); coding-DNA position 4643, C replaced by G.
Protein change: p.Thr1548Arg; replaces threonine 1548 with arginine.
Molecular consequence: missense variant.
Genome position (GRCh38, 1-based): chr1:237,602,071, C>G. VCF-style: chr1-237602071-C-G. GRCh37 (hg19) VCF-style: chr1-237765371-C-G.
Other names: short protein forms T1548R.
Identifiers: ClinVar variation 4756263 (VCV004756263.1).
Genomic context (GRCh38, chr1:237,602,071, plus strand): 5'-TAAATGTATTTCAGGTGGAACCGAGTACAAAATTATTTCCTGCGGTTTTTGCACAAGCTA[C>G]AAGTCCCAATGTTTTCCAGTTTGAGTTGGGAAGAATAAAGGTAATAAAACTTATTCCTGG-3'
Protein context (NP_001026.2, residues 1538-1558): KLFPAVFAQA[Thr1548Arg]SPNVFQFELG

ClinVar aggregate classification (germline): Uncertain significance (1 of 4 stars; one submission).

Conditions:
Cardiomyopathy (CMYO). Also called: Cardiomyopathies. Identifiers: Orphanet 167848, MedGen C0878544, MONDO:0004994, HP:0001638. Inheritance: Various modes of inheritance.

Submission:

Color Diagnostics, LLC DBA Color Health
Classification: Uncertain significance for Cardiomyopathy. Last evaluated: 2025-08-22. Review status: criteria provided, single submitter. Criteria: ACMG Guidelines, 2015. Collection method: clinical testing. Allele origin: germline.
Comment: This missense variant replaces threonine with arginine at codon 1548 of the RYR2 protein. Computational prediction suggests that this variant may have deleterious impact on protein structure and function. To our knowledge, functional studies have not been reported for this variant. This variant has not been reported in individuals affected with RYR2-related disorders in the literature. This variant has not been identified in the general population by the Genome Aggregation Database (gnomAD). The available evidence is insufficient to determine the role of this variant in disease conclusively. Therefore, this variant is classified as a Variant of Uncertain Significance.